The following is an entry in ClinVar:

NM_000179.3(MSH6):c.349G>A (p.Gly117Arg)

Gene: MSH6 (mutS homolog 6; plus strand). Cytogenetic location: 2p16.3.
Variant type: single nucleotide variant.
Coding change: c.349G>A on transcript NM_000179.3 (MANE Select); coding-DNA position 349, G replaced by A.
Protein change: p.Gly117Arg; replaces glycine 117 with arginine.
Molecular consequence: missense variant. On other transcripts: 5 prime UTR variant (2), intron variant (1).
Genome position (GRCh38, 1-based): chr2:47,791,015, G>A. VCF-style: chr2-47791015-G-A. GRCh37 (hg19) VCF-style: chr2-48018154-G-A.
Other names: c.-388G>A (NM_001281493.2); c.-554G>A (NM_001281494.2); c.237+7545G>A (NM_001281492.2); short protein forms G117R.
Identifiers: ClinVar variation 581213 (VCV000581213.19), dbSNP rs1558652014, ClinGen allele CA346736986.

ClinVar aggregate classification (germline): Uncertain significance. Review status: criteria provided, multiple submitters, no conflicts (2 of 4 stars). 4 submissions from 4 submitters: Uncertain significance (4). Last evaluated 2025-12-19.

Conditions:
Hereditary nonpolyposis colorectal neoplasms. Identifiers: MedGen C0009405, MeSH D003123.
Hereditary cancer-predisposing syndrome. Also called: Neoplastic Syndromes, Hereditary; Hereditary neoplastic syndrome; Tumor predisposition; Hereditary Cancer Syndrome. Identifiers: Orphanet 140162, MedGen C0027672, MeSH D009386, MONDO:0015356.
Lynch syndrome. Identifiers: Orphanet 144, MedGen C4552100, MONDO:0005835. Disease mechanism: loss of function.

Allele frequency attached by ClinVar (database versions not stated): gnomAD exomes below 0.00001.
gnomAD v4.1: 5 of 1,614,230 alleles (0.00031%); highest among the groups gnomAD compares: Non-Finnish European, 0.00034%; no homozygotes.

Submissions (4):

Ambry Genetics
Classification: Uncertain significance for Hereditary cancer-predisposing syndrome. Last evaluated: 2025-12-19. Review status: criteria provided, single submitter. Criteria: Ambry Variant Classification Scheme 2023. Collection method: clinical testing. Allele origin: germline.
Comment: The p.G117R variant (also known as c.349G>A), located in coding exon 2 of the MSH6 gene, results from a G to A substitution at nucleotide position 349. The glycine at codon 117 is replaced by arginine, an amino acid with dissimilar properties. This amino acid position is well conserved in available vertebrate species. In addition, the in silico prediction for this alteration is inconclusive. Based on the available evidence, the clinical significance of this variant remains unclear.

Color Diagnostics, LLC DBA Color Health
Classification: Uncertain significance for Hereditary cancer-predisposing syndrome. Last evaluated: 2024-03-06. Review status: criteria provided, single submitter. Criteria: ACMG Guidelines, 2015. Collection method: clinical testing. Allele origin: germline.
Comment: This missense variant replaces glycine with arginine at codon 117 of the MSH6 protein. Computational prediction is inconclusive regarding the impact of this variant on protein structure and function (internally defined REVEL score threshold 0.5 < inconclusive < 0.7, PMID: 27666373). To our knowledge, functional studies have not been reported for this variant. This variant has not been reported in individuals affected with MSH6-related disorders in the literature. This variant has not been identified in the general population by the Genome Aggregation Database (gnomAD). The available evidence is insufficient to determine the role of this variant in disease conclusively. Therefore, this variant is classified as a Variant of Uncertain Significance.

Labcorp Genetics (formerly Invitae), Labcorp
Classification: Uncertain significance for Hereditary nonpolyposis colorectal neoplasms. Last evaluated: 2023-10-15. Review status: criteria provided, single submitter. Criteria: Invitae Variant Classification Sherloc (09022015). Collection method: clinical testing. Allele origin: germline.
Comment: This sequence change replaces glycine, which is neutral and non-polar, with arginine, which is basic and polar, at codon 117 of the MSH6 protein (p.Gly117Arg). This variant is not present in population databases (gnomAD no frequency). This variant has not been reported in the literature in individuals affected with MSH6-related conditions. ClinVar contains an entry for this variant (Variation ID: 581213). Advanced modeling of protein sequence and biophysical properties (such as structural, functional, and spatial information, amino acid conservation, physicochemical variation, residue mobility, and thermodynamic stability) performed at Invitae indicates that this missense variant is not expected to disrupt MSH6 protein function. In summary, the available evidence is currently insufficient to determine the role of this variant in disease. Therefore, it has been classified as a Variant of Uncertain Significance.

All of Us Research Program, National Institutes of Health
Classification: Uncertain significance for Lynch syndrome. Last evaluated: 2023-05-08. Review status: criteria provided, single submitter. Criteria: ACMG Guidelines, 2015. Collection method: clinical testing. Allele origin: germline. Inheritance: Autosomal dominant inheritance. Observed: 2 variant alleles, 2 heterozygotes.
Comment: This missense variant replaces glycine with arginine at codon 117 of the MSH6 protein. Computational prediction is inconclusive regarding the impact of this variant on protein structure and function (internally defined REVEL score threshold 0.5 < inconclusive < 0.7, PMID: 27666373). To our knowledge, functional studies have not been reported for this variant. This variant has not been reported in individuals affected with MSH6-related disorders in the literature. This variant has not been identified in the general population by the Genome Aggregation Database (gnomAD). The available evidence is insufficient to determine the role of this variant in disease conclusively. Therefore, this variant is classified as a Variant of Uncertain Significance.

This study involves interpretation of variants in research participants for the purpose of population health screening. Participant phenotype was not available at the time of variant classification. Additional details can be found in publication PMID: 35346344, PMCID: PMC8962531